The following is an entry in ClinVar:

NM_017617.5(NOTCH1):c.6533C>T (p.Ala2178Val)

Gene: NOTCH1 (notch receptor 1; minus strand). Cytogenetic location: 9q34.3.
Variant type: single nucleotide variant.
Coding change: c.6533C>T on transcript NM_017617.5 (MANE Select); coding-DNA position 6533, C replaced by T.
Protein change: p.Ala2178Val; replaces alanine 2178 with valine.
Molecular consequence: missense variant.
Genome position (GRCh38, 1-based): chr9:136,497,206, G>A on the plus strand (C>T on the coding strand, the complement: NOTCH1 is on the minus strand). VCF-style: chr9-136497206-G-A. GRCh37 (hg19) VCF-style: chr9-139391658-G-A.
Other names: short protein forms A2178V.
Identifiers: ClinVar variation 1754081 (VCV001754081.2), dbSNP rs2133318110, ClinGen allele CA375631364.

ClinVar aggregate classification (germline): Uncertain significance (1 of 4 stars; one submission).

Conditions:
Familial thoracic aortic aneurysm and aortic dissection (TAAD). Also called: Thoracic aortic aneurysms and dissections. Identifiers: Orphanet 91387, MedGen C4707243, MONDO:0019625.

Allele frequency attached by ClinVar (database versions not stated): gnomAD exomes below 0.00001.
gnomAD v4.1: 2 of 1,612,796 alleles (0.00012%); highest among the groups gnomAD compares: Non-Finnish European, 0.00017%; no homozygotes.

Submission:

Ambry Genetics
Classification: Uncertain significance for Familial thoracic aortic aneurysm and aortic dissection. Last evaluated: 2021-09-26. Review status: criteria provided, single submitter. Criteria: Ambry Variant Classification Scheme 2023. Collection method: clinical testing. Allele origin: germline.
Comment: The p.A2178V variant (also known as c.6533C>T), located in coding exon 34 of the NOTCH1 gene, results from a C to T substitution at nucleotide position 6533. The alanine at codon 2178 is replaced by valine, an amino acid with similar properties. This amino acid position is conserved. In addition, this alteration is predicted to be tolerated by in silico analysis. Since supporting evidence is limited at this time, the clinical significance of this alteration remains unclear.